The following is an entry in ClinVar:

NM_213720.3(CHCHD10):c.403T>C (p.Tyr135His)

Gene: CHCHD10 (coiled-coil-helix-coiled-coil-helix domain containing 10; minus strand). Cytogenetic location: 22q11.23.
Variant type: single nucleotide variant.
Coding change: c.403T>C on transcript NM_213720.3 (MANE Select); coding-DNA position 403, T replaced by C.
Protein change: p.Tyr135His; replaces tyrosine 135 with histidine.
Molecular consequence: missense variant. On other transcripts: non-coding transcript variant (2).
Genome position (GRCh38, 1-based): chr22:23,766,134, A>G on the plus strand (T>C on the coding strand, the complement: CHCHD10 is on the minus strand). VCF-style: chr22-23766134-A-G. GRCh37 (hg19) VCF-style: chr22-24108321-A-G.
Other names: p.Tyr135His; c.424T>C, p.Tyr142His (NM_001301339.2); short protein forms Y135H, Y142H.
Identifiers: ClinVar variation 540614 (VCV000540614.32), dbSNP rs145649831, ClinGen allele CA10145244.
Genomic context (GRCh38, chr22:23,766,134, plus strand): 5'-AGAGGAGGGTTGGCCTCTCCCCCTCCCCGCCTGAGTCGGGGTCCACTCACTCACCATGGT[A>G]GTACTTGCACTGCTTCAGGGCCTCGCTGAAGCCCTCACACAGGGACAGGTCACTCTGAGT-3'
Protein context (NP_998885.1, residues 125-142): FSEALKQCKY[Tyr135His]HGLSSLP

ClinVar aggregate classification (germline): Benign/Likely benign. Review status: criteria provided, multiple submitters, no conflicts (2 of 4 stars). 7 submissions from 7 submitters: Benign (1); Likely benign (5). 1 of the submissions does not count toward it. Last evaluated 2026-02-01.

Conditions:
Autosomal dominant mitochondrial myopathy with exercise intolerance (IMMD). Also called: Myopathy, isolated mitochondrial, autosomal dominant. Identifiers: Orphanet 457050, MedGen C4015513, MONDO:0014532, OMIM 616209.
Lower motor neuron syndrome with late-adult onset (SMAJ). Also called: Spinal muscular atrophy, Jokela type; Late-Onset Spinal Motor Neuronopathy (SMAJ). Identifiers: Orphanet 276435, MedGen C3554398, MONDO:0014025, OMIM 615048.
Frontotemporal dementia and/or amyotrophic lateral sclerosis 2. Also called: FTDALS2. Identifiers: Orphanet 275872, MedGen C4014648, MONDO:0014395, OMIM 615911.
Inborn genetic diseases. Identifiers: MedGen C0950123, MeSH D030342.
CHCHD10-related disorder. Also called: CHCHD10-Related Disorders; CHCHD10-related condition. Identifiers: MedGen CN381526.

Allele frequency attached by ClinVar (database versions not stated): gnomAD 0.00028 and 0.00031; TOPMed 0.00030; gnomAD exomes 0.00032 and 0.00042; ExAC 0.00035; ESP Exome Variant Server 0.00054.
gnomAD v4.1: 668 of 1,613,528 alleles (0.041%); highest among the groups gnomAD compares: South Asian, 0.13%; 1 homozygote.

Submissions (7):

CeGaT Center for Human Genetics Tuebingen
Classification: Benign. Last evaluated: 2026-02-01. Review status: criteria provided, single submitter. Criteria: CeGaT Center For Human Genetics Tuebingen Variant Classification Criteria Version 2. Collection method: clinical testing. Allele origin: germline. Affected: yes. Observed: 4 variant alleles.
Comment: CHCHD10: BP4, BS1, BS2

Labcorp Genetics (formerly Invitae), Labcorp
Classification: Likely benign for Lower motor neuron syndrome with late-adult onset; Frontotemporal dementia and/or amyotrophic lateral sclerosis 2; Autosomal dominant mitochondrial myopathy with exercise intolerance. Last evaluated: 2026-01-20. Review status: criteria provided, single submitter. Criteria: Invitae Variant Classification Sherloc (09022015). Collection method: clinical testing. Allele origin: germline.

Mayo Clinic Laboratories, Mayo Clinic
Classification: Likely benign. Last evaluated: 2025-04-08. Review status: criteria provided, single submitter. Criteria: ACMG Guidelines, 2015. Collection method: clinical testing. Allele origin: germline. Observed: 2 variant alleles.
Comment: BS2, BP4

GeneDx
Classification: Likely benign. Last evaluated: 2020-04-10. Review status: criteria provided, single submitter. Criteria: GeneDx Variant Classification Process June 2021. Collection method: clinical testing. Allele origin: germline. Affected: yes.
Comment: In silico analysis supports that this missense variant does not alter protein structure/function; Reported previously in heterozygous state in 3 individuals with ALS and in one control; authors state the variant is unlikely to be pathogenic given its presence in control samples (Veldink et al., 2018); This variant is associated with the following publications: (PMID: 30014597)

Ambry Genetics
Classification: Likely benign for Inborn genetic diseases. Last evaluated: 2020-03-23. Review status: criteria provided, single submitter. Criteria: Ambry Variant Classification Scheme 2023. Collection method: clinical testing. Allele origin: germline.

Breakthrough Genomics
Classification: Likely benign. Review status: criteria provided, single submitter. Criteria: ACMG Guidelines, 2015. Collection method: not provided. Allele origin: germline. Inheritance: Autosomal dominant inheritance. Affected: yes.

PreventionGenetics, part of Exact Sciences
Classification: Likely benign for CHCHD10-related condition. Last evaluated: 2021-12-21. Review status: no assertion criteria provided. Collection method: clinical testing. Allele origin: germline. Not counted in ClinVar's aggregate classification.
Comment: This variant is classified as likely benign based on ACMG/AMP sequence variant interpretation guidelines (Richards et al. 2015 PMID: 25741868, with internal and published modifications).

Literature cited by the submitters: PubMed 30014597 (cited by Mayo Clinic Laboratories, Mayo Clinic); PubMed 32409511 (cited by Mayo Clinic Laboratories, Mayo Clinic).